The following is an entry in ClinVar:

NM_002872.5(RAC2):c.229G>A (p.Val77Ile)

Gene: RAC2 (Rac family small GTPase 2; minus strand). Cytogenetic location: 22q13.1.
Variant type: single nucleotide variant.
Coding change: c.229G>A on transcript NM_002872.5 (MANE Select); coding-DNA position 229, G replaced by A.
Protein change: p.Val77Ile; replaces valine 77 with isoleucine.
Molecular consequence: missense variant.
Genome position (GRCh38, 1-based): chr22:37,231,991, C>T on the plus strand (G>A on the coding strand, the complement: RAC2 is on the minus strand). VCF-style: chr22-37231991-C-T. GRCh37 (hg19) VCF-style: chr22-37628031-C-T.
Other names: c.229G>A (NM_002872.3); short protein forms V77I.
Identifiers: ClinVar variation 942731 (VCV000942731.11), dbSNP rs578052035, ClinGen allele CA10217561.

ClinVar aggregate classification (germline): Uncertain significance. Review status: criteria provided, multiple submitters, no conflicts (2 of 4 stars). 2 submissions from 2 submitters: Uncertain significance (2). Last evaluated 2025-04-10.

Conditions:
Neutrophil immunodeficiency syndrome. Also called: Immunodeficiency 73A with defective neutrophil chemotaxis and leukocytosis. Identifiers: Orphanet 183707, MedGen C1842398, MONDO:0011988, OMIM 608203.
Inborn genetic diseases. Identifiers: MedGen C0950123, MeSH D030342.

Allele frequency attached by ClinVar (database versions not stated): ExAC below 0.00001; gnomAD exomes 0.00001 and 0.00002; TOPMed 0.00001; gnomAD 0.00002 and 0.00003; 1000 Genomes Project 30x 0.00016; 1000 Genomes Project 0.00020.
gnomAD v4.1: 13 of 1,545,098 alleles (0.00084%); highest among the groups gnomAD compares: African/African-American, 0.0043%; no homozygotes.

Submissions (2):

Ambry Genetics
Classification: Uncertain significance for Inborn genetic diseases. Last evaluated: 2025-04-10. Review status: criteria provided, single submitter. Criteria: Ambry Variant Classification Scheme 2023. Collection method: clinical testing. Allele origin: germline.

Labcorp Genetics (formerly Invitae), Labcorp
Classification: Uncertain significance for Neutrophil immunodeficiency syndrome. Last evaluated: 2024-07-26. Review status: criteria provided, single submitter. Criteria: Invitae Variant Classification Sherloc (09022015). Collection method: clinical testing. Allele origin: germline.
Comment: This sequence change replaces valine, which is neutral and non-polar, with isoleucine, which is neutral and non-polar, at codon 77 of the RAC2 protein (p.Val77Ile). The frequency data for this variant in the population databases is considered unreliable, as metrics indicate poor data quality at this position in the gnomAD database. This variant has not been reported in the literature in individuals affected with RAC2-related conditions. ClinVar contains an entry for this variant (Variation ID: 942731). Advanced modeling of protein sequence and biophysical properties (such as structural, functional, and spatial information, amino acid conservation, physicochemical variation, residue mobility, and thermodynamic stability) performed at Invitae indicates that this missense variant is not expected to disrupt RAC2 protein function with a negative predictive value of 95%. In summary, the available evidence is currently insufficient to determine the role of this variant in disease. Therefore, it has been classified as a Variant of Uncertain Significance.